The following is an entry in ClinVar:

NM_000264.5(PTCH1):c.1602G>A (p.Glu534=)

Gene: PTCH1 (patched 1; minus strand). Cytogenetic location: 9q22.32.
Variant type: single nucleotide variant.
Coding change: c.1602G>A on transcript NM_000264.5 (MANE Select); coding-DNA position 1602, G replaced by A.
Protein change: p.Glu534=; no amino-acid change (glutamic acid 534 retained).
Molecular consequence: synonymous variant. On other transcripts: non-coding transcript variant (1).
Genome position (GRCh38, 1-based): chr9:95,476,759, C>T on the plus strand (G>A on the coding strand, the complement: PTCH1 is on the minus strand). VCF-style: chr9-95476759-C-T. GRCh37 (hg19) VCF-style: chr9-98239041-C-T.
Other names: c.1404G>A, p.Glu468= (NM_001083602.3); c.1599G>A, p.Glu533= (NM_001083603.3); c.1149G>A, p.Glu383= (NM_001083604.3, NM_001083605.3, NM_001083606.3 and 1 more transcripts); c.1446G>A, p.Glu482= (NM_001354918.2).
Identifiers: ClinVar variation 3427231 (VCV003427231.2).
Genomic context (GRCh38, chr9:95,476,759, plus strand): 5'-ACTTAGGAACAGAGGAAGCTGTGATGTCCCCAAAGCTCTCTTCTTTTGTTTTTGCATTAC[C>T]TCAAAAGGGATTCTTTTATTCTGTCCTGTTTCACTGAAGGCGTGGGCCAGAAGAAAAACA-3'
Protein context (NP_000255.2, residues 524-544): ETGQNKRIPF[Glu534=]DRTGECLKRT

ClinVar aggregate classification (germline): Uncertain significance (1 of 4 stars; one submission).

Conditions:
Hereditary cancer-predisposing syndrome. Also called: Neoplastic Syndromes, Hereditary; Tumor predisposition; Hereditary Cancer Syndrome; Hereditary neoplastic syndrome. Identifiers: Orphanet 140162, MedGen C0027672, MeSH D009386, MONDO:0015356.

Submission:

Ambry Genetics
Classification: Uncertain significance for Hereditary cancer-predisposing syndrome. Last evaluated: 2025-08-14. Review status: criteria provided, single submitter. Criteria: Ambry Variant Classification Scheme 2023. Collection method: clinical testing. Allele origin: germline.
Comment: The c.1602G>A variant (also known as p.E534E), located in coding exon 11 of the PTCH1 gene, results from a G to A substitution at nucleotide position 1602. This nucleotide substitution does not change the glutamic acid at codon 534. However, this change occurs in the last base pair of coding exon 11, which makes it likely to have some effect on normal mRNA splicing. This nucleotide position is highly conserved in available vertebrate species. In silico splice site analysis predicts that this alteration will weaken the native splice donor site. RNA studies have demonstrated that this alteration results in an incomplete splice defect; the clinical impact of this abnormal splicing is unknown at this time (Ambry internal data). Based on the available evidence, the clinical significance of this variant remains unclear.